The following is an entry in ClinVar:

ClinVar aggregate classification (germline): Uncertain significance (1 of 4 stars; one submission).

Conditions:
Hereditary cancer-predisposing syndrome. Also called: Hereditary neoplastic syndrome; Hereditary Cancer Syndrome; Neoplastic Syndromes, Hereditary; Tumor predisposition. Identifiers: Orphanet 140162, MedGen C0027672, MeSH D009386, MONDO:0015356.

Submission:

Ambry Genetics
Classification: Uncertain significance for Hereditary cancer-predisposing syndrome. Last evaluated: 2023-04-18. Review status: criteria provided, single submitter. Criteria: Ambry Variant Classification Scheme 2023. Collection method: clinical testing. Allele origin: germline.
Comment: The p.A2576D variant (also known as c.7727C>A), located in coding exon 15 of the APC gene, results from a C to A substitution at nucleotide position 7727. The alanine at codon 2576 is replaced by aspartic acid, an amino acid with dissimilar properties. This amino acid position is conserved. In addition, in silico predictors for this gene do not accurately predict pathogenicity. Since supporting evidence is limited at this time, the clinical significance of this alteration remains unclear.

NM_000038.6(APC):c.7727C>A (p.Ala2576Asp)

Gene: APC (APC regulator of Wnt signaling pathway; plus strand). Cytogenetic location: 5q22.2.
Variant type: single nucleotide variant.
Coding change: c.7727C>A on transcript NM_000038.6 (MANE Select); coding-DNA position 7727, C replaced by A.
Protein change: p.Ala2576Asp; replaces alanine 2576 with aspartic acid.
Molecular consequence: missense variant. On other transcripts: non-coding transcript variant (2).
Genome position (GRCh38, 1-based): chr5:112,843,321, C>A. VCF-style: chr5-112843321-C-A. GRCh37 (hg19) VCF-style: chr5-112179018-C-A.
Other names: c.7727C>A, p.Ala2576Asp (NM_001127510.3, NM_001354895.2, NM_001407450.1); c.7673C>A, p.Ala2558Asp (NM_001127511.3); c.7781C>A, p.Ala2594Asp (NM_001354896.2, NM_001407447.1, NM_001407448.1 and 1 more transcripts); c.7757C>A, p.Ala2586Asp (NM_001354897.2); c.7652C>A, p.Ala2551Asp (NM_001354898.2); c.7643C>A, p.Ala2548Asp (NM_001354899.2); c.7604C>A, p.Ala2535Asp (NM_001354900.2); c.7550C>A, p.Ala2517Asp (NM_001354901.2, NM_001407453.1); and 11 more; short protein forms A2576D, A2604D, A2450D, A2517D, A2548D, A2569D, A2192D, A2293D.
Identifiers: ClinVar variation 2566988 (VCV002566988.2), dbSNP rs1580685926, ClinGen allele CA16038111.